The following is an entry in ClinVar:

ClinVar aggregate classification (germline): Pathogenic (0 of 4 stars; one submission).

Conditions:
Hyperphosphatasia with impaired intellectual development syndrome 4. Also called: GLYCOSYLPHOSPHATIDYLINOSITOL BIOSYNTHESIS DEFECT 10; Hyperphosphatasia with intellectual disability syndrome 4. Identifiers: Orphanet 247262, MedGen C3810354, MONDO:0014318, OMIM 615716.

Allele frequency attached by ClinVar (database versions not stated): gnomAD 0.00001.
gnomAD v4.1: 2 of 1,609,070 alleles (0.00012%); highest among the groups gnomAD compares: Non-Finnish European, 0.00017%; no homozygotes.

Submission:

Institute for Medical Genetics and Human Genetics, Charité - Universitätsmedizin Berlin
Classification: Pathogenic for Hyperphosphatasia with impaired intellectual development syndrome 4. Last evaluated: 2016-03-01. Review status: no assertion criteria provided. Collection method: research. Allele origin: germline. Affected: yes.
Comment: Disease causing variant in homozygous or compound heterozygous state

NM_033419.5(PGAP3):c.861G>T (p.Trp287Cys)

Gene: PGAP3 (post-GPI attachment to proteins phospholipase 3; minus strand). Cytogenetic location: 17q12.
Variant type: single nucleotide variant.
Coding change: c.861G>T on transcript NM_033419.5 (MANE Select); coding-DNA position 861, G replaced by T.
Protein change: p.Trp287Cys; replaces tryptophan 287 with cysteine.
Molecular consequence: missense variant. On other transcripts: intron variant (3).
Genome position (GRCh38, 1-based): chr17:39,673,089, C>A on the plus strand (G>T on the coding strand, the complement: PGAP3 is on the minus strand). VCF-style: chr17-39673089-C-A. GRCh37 (hg19) VCF-style: chr17-37829342-C-A.
Other names: c.708G>T, p.Trp236Cys (NM_001291726.2); c.798G>T, p.Trp266Cys (NM_001291728.2); c.433-223G>T (NM_001291733.2); c.495-223G>T (NM_001291732.2); c.558-223G>T (NM_001291730.2); short protein forms W287C, W236C, W266C.
Identifiers: ClinVar variation 224641 (VCV000224641.2), dbSNP rs869312813, ClinGen allele CA353573.